The following is an entry in ClinVar:

ClinVar aggregate classification (germline): Conflicting classifications of pathogenicity. Review status: criteria provided, conflicting classifications (1 of 4 stars). 13 submissions from 13 submitters: Likely pathogenic (5); Uncertain significance (7). 1 of the submissions does not count toward it. Last evaluated 2026-08-23.

Conditions:
LOXHD1-related disorder. Also called: LOXHD1-related condition.
Monogenic hearing loss.
Autosomal recessive nonsyndromic hearing loss 77. Identifiers: Orphanet 90636, MedGen C2746083, MONDO:0013119, OMIM 613079.

Allele frequency attached by ClinVar (database versions not stated): ExAC 0.00004; gnomAD exomes 0.00011 and 0.00024; gnomAD 0.00017 and 0.00019; TOPMed 0.00017.
gnomAD v4.1: 364 of 1,551,660 alleles (0.023%); highest among the groups gnomAD compares: Non-Finnish European, 0.03%; no homozygotes.

Submissions (13):

PreventionGenetics, part of Exact Sciences
Classification: Uncertain significance for LOXHD1-related condition. Last evaluated: 2026-08-23. Review status: criteria provided, single submitter. Criteria: ACMG Guidelines, 2015. Collection method: clinical testing. Allele origin: germline.
Comment: The LOXHD1 c.1730T>G variant is predicted to result in the amino acid substitution p.Leu577Arg. This variant has been reported in an individual with hearing loss, although one other missense variant and a truncating variant in LOXHD1 were also detected in this individual (Patient 161, Table S3, Sloan-Heggen et al 2016. PubMed ID: 26969326). This variant has also been reported in the compound heterozygous state in one patient with hearing loss (Table 1, Wesdorp et al. 2018. PubMed ID: 29676012; Table 1, Zazo Seco et al. 2017. PubMed ID: 28000701) and in a pediatric hearing loss cohort although information about the presence or absence of a second variant was not provided (Table S2, Perry et al. 2022. PubMed ID: 36515421). This variant is reported in ClinVar ranging from uncertain to likely pathogenic (Variation ID: 163928). This variant is reported in 0.027% of alleles in individuals of European (Non-Finnish) descent in gnomAD. Although we suspect that this variant may be pathogenic, at this time, the clinical significance of this variant is uncertain due to the absence of conclusive functional and genetic evidence.

Myriad Genetics, Inc.
Classification: Uncertain significance for Autosomal recessive nonsyndromic hearing loss 77. Last evaluated: 2026-06-03. Review status: criteria provided, single submitter. Criteria: Myriad Autosomal Dominant, Autosomal Recessive and X-Linked Classification Criteria (2023). Collection method: clinical testing. Allele origin: unknown.
Comment: NM_144612.6(LOXHD1):c.1730T>G(L577R) is a missense variant classified as a variant of uncertain significance in the context of nonsyndromic hearing loss, LOXHD1-related. L577R has been observed in cases with relevant disease (PMID: 23804846, 26969326, 28000701, 29676012, 36515421). Relevant functional assessments of this variant are not available in the literature. L577R has been observed in referenced population frequency databases. In summary, there is insufficient evidence to classify NM_144612.6(LOXHD1):c.1730T>G(L577R) as pathogenic or benign. Please note: this variant was assessed in the context of healthy population screening.

Genetics Laboratory, Great Ormond Street Hospital NHS Foundation Trust, North Thames Genomic Laboratory Hub
Classification: Likely pathogenic for Monogenic hearing loss. Last evaluated: 2026-02-09. Review status: criteria provided, single submitter. Criteria: ACGS Best Practice Guidelines for Variant Classification in Rare Disease 2024 v1.2. Collection method: clinical testing. Allele origin: germline. Affected: yes.
Comment: PM2_supporting, PP3_supporting, PM3_strong

Labcorp Genetics (formerly Invitae), Labcorp
Classification: Likely pathogenic. Last evaluated: 2025-12-13. Review status: criteria provided, single submitter. Criteria: Invitae Variant Classification Sherloc (09022015). Collection method: clinical testing. Allele origin: germline.
Comment: This sequence change replaces leucine, which is neutral and non-polar, with arginine, which is basic and polar, at codon 577 of the LOXHD1 protein (p.Leu577Arg). This variant is present in population databases (rs727503147, gnomAD 0.03%). This missense change has been observed in individual(s) with autosomal recessive deafness (PMID: 23804846, 26969326, 28000701, 29676012, 31709873, 36515421). In at least one individual the data is consistent with being in trans (on the opposite chromosome) from a pathogenic variant. It has also been observed to segregate with disease in related individuals. ClinVar contains an entry for this variant (Variation ID: 163928). An algorithm developed to predict the effect of missense changes on protein structure and function (PolyPhen-2) suggests that this variant is likely to be tolerated. In summary, the currently available evidence indicates that the variant is pathogenic, but additional data are needed to prove that conclusively. Therefore, this variant has been classified as Likely Pathogenic.

CeGaT Center for Human Genetics Tuebingen
Classification: Likely pathogenic. Last evaluated: 2025-12-01. Review status: criteria provided, single submitter. Criteria: CeGaT Center For Human Genetics Tuebingen Variant Classification Criteria Version 2. Collection method: clinical testing. Allele origin: germline. Affected: yes. Observed: 3 variant alleles.
Comment: LOXHD1: PM3:Strong, PM2

Natera, Inc.
Classification: Likely pathogenic for Autosomal recessive deafness type 77. Last evaluated: 2025-10-31. Review status: criteria provided, single submitter. Criteria: Natera Variant Classification Schema (03/2026). Collection method: clinical testing. Allele origin: germline.
Comment: The c.1730T>G variant in LOXHD1 is a missense variant predicted to cause substitution of leucine to arginine at amino acid 577. This variant is rare in the general population with a frequency below the threshold expected for the associated phenotype(s). This variant has been observed in one or more individuals affected with the associated recessive disease, as either homozygous or compound heterozygous with a second variant (PMID: 29676012, 36515421). Additionally, this variant has been observed to segregate in affected family members (PMID: 29676012). Computational prediction algorithms indicate this variant is likely to affect gene or protein function. Given the available evidence, this variant is classified as Likely Pathogenic.

Mayo Clinic Laboratories, Mayo Clinic
Classification: Uncertain significance. Last evaluated: 2025-09-11. Review status: criteria provided, single submitter. Criteria: ACMG Guidelines, 2015. Collection method: clinical testing. Allele origin: germline. Observed: 1 variant allele.
Comment: PP3, PM2_supporting

Women's Health and Genetics/Laboratory Corporation of America, LabCorp
Classification: Uncertain significance. Last evaluated: 2025-05-22. Review status: criteria provided, single submitter. Criteria: LabCorp Variant Classification Summary - May 2015. Collection method: clinical testing. Allele origin: germline.
Comment: Variant summary: LOXHD1 c.1730T>G (p.Leu577Arg) results in a non-conservative amino acid change in the encoded protein sequence. Algorithms developed to predict the effect of missense changes on protein structure and function all suggest that this variant is likely to be disruptive. The variant allele was found at a frequency of 0.00011 in 158826 control chromosomes. This frequency is not significantly higher than estimated for a pathogenic variant in LOXHD1 causing Nonsyndromic Hearing Loss And Deafness, Type 77 (0.00011 vs 0.0011), allowing no conclusion about variant significance. c.1730T>G has been observed in individuals affected with Hearing Loss without reported second LOXHD1 variant, or in several cases, in the presence of multiple additional variants without phase information or segregation specified (e.g., Shearer_2013, SloanHeggen_2016, Wesdrop_2018, Zazo Seco_2017). These report(s) do not provide unequivocal conclusions about association of the variant with Nonsyndromic Hearing Loss And Deafness, Type 77. To our knowledge, no experimental evidence demonstrating an impact on protein function has been reported. The following publications have been ascertained in the context of this evaluation (PMID: 26969326, 23804846, 29676012, 28000701). ClinVar contains an entry for this variant (Variation ID: 163928). Based on the evidence outlined above, the variant was classified as uncertain significance.

GeneDx
Classification: Uncertain significance. Last evaluated: 2024-04-09. Review status: criteria provided, single submitter. Criteria: GeneDx Variant Classification Process June 2021. Collection method: clinical testing. Allele origin: germline. Affected: yes.
Comment: Reported previously in an individual with autosomal recessive hearing loss, who was heterozygous for L577R and two other variants (E1957K and R1982X); however, familial segregation information was not included to determine phase of these variants (PMID: 26969326); In silico analysis supports that this missense variant has a deleterious effect on protein structure/function; This variant is associated with the following publications: (PMID: 31547530, 23804846, 29676012, 31709873, 26969326, 28000701, 36515421)

Blueprint Genetics
Classification: Likely pathogenic for LOXHD1-related disorders. Last evaluated: 2022-05-24. Review status: criteria provided, single submitter. Criteria: ACMG Guidelines, 2015. Collection method: clinical testing. Allele origin: germline. Affected: yes. Observed: 5 variant alleles.

Laboratory for Molecular Medicine, Mass General Brigham Personalized Medicine
Classification: Uncertain significance. Last evaluated: 2019-07-24. Review status: criteria provided, single submitter. Criteria: LMM Criteria. Collection method: clinical testing. Allele origin: germline. Observed: 2 variant alleles.
Comment: Variant classified as Uncertain Significance - Favor Pathogenic. The p.Leu577Arg variant in LOXHD1 has been previously reported in 5 individuals with hearing loss, including 1 who was confirmed to have a truncating LOXHD1 in trans, and 2 who were reported to have truncating LOXHD1 variants without phasing confirmed (Shearer 2013, Sloan-Heggen 2016, Wesdorp 2018, Zazo Seco 2017). This variant has also been identified in 0.02% (21/76696) of European chromosomes by gnomAD. Computational prediction tools and conservation analyses suggest that this variant may impact the protein, though this information is not predictive enough to determine pathogenicity. In summary, while there is some suspicion for a pathogenic role, the clinical significance of this variant is uncertain. ACMG/AMP Criteria applied: PM3, PM2_Supporting, PP3.

Eurofins Ntd Llc (ga)
Classification: Uncertain significance. Last evaluated: 2017-05-01. Review status: criteria provided, single submitter. Criteria: EGL Classification Definitions 2015. Collection method: clinical testing. Allele origin: germline. Observed: 1 variant allele, 1 heterozygote.

Counsyl
Classification: Uncertain significance for Autosomal recessive nonsyndromic hearing loss 77. Last evaluated: 2017-10-12. Review status: no assertion criteria provided. Collection method: clinical testing. Allele origin: unknown. Not counted in ClinVar's aggregate classification.

Literature cited by the submitters: PubMed 23804846 (cited by 5 submitters); PubMed 26969326 (cited by 7 submitters); PubMed 28000701 (cited by 5 submitters); PubMed 29676012 (cited by 6 submitters); PubMed 36515421 (cited by 4 submitters); PubMed 31709873 (cited by Labcorp Genetics (formerly Invitae), Labcorp and Mayo Clinic Laboratories, Mayo Clinic); PubMed 31547530 (cited by Mayo Clinic Laboratories, Mayo Clinic); PubMed 32149082 (cited by Mayo Clinic Laboratories, Mayo Clinic).

NM_001384474.1(LOXHD1):c.1730T>G (p.Leu577Arg)

Gene: LOXHD1 (lipoxygenase homology PLAT domains 1; minus strand). Cytogenetic location: 18q21.1.
Variant type: single nucleotide variant.
Coding change: c.1730T>G on transcript NM_001384474.1 (MANE Select); coding-DNA position 1730, T replaced by G.
Protein change: p.Leu577Arg; replaces leucine 577 with arginine.
Molecular consequence: missense variant.
Genome position (GRCh38, 1-based): chr18:46,579,709, A>C on the plus strand (T>G on the coding strand, the complement: LOXHD1 is on the minus strand). VCF-style: chr18-46579709-A-C. GRCh37 (hg19) VCF-style: chr18-44159672-A-C.
Other names: c.1730T>G, p.Leu577Arg (NM_144612.7); short protein forms L577R.
Identifiers: ClinVar variation 163928 (VCV000163928.53), dbSNP rs727503147, ClinGen allele CA176648.